The following is an entry in ClinVar:

ClinVar aggregate classification (germline): Likely benign. Review status: criteria provided, single submitter (1 of 4 stars). 2 submissions from 2 submitters: Likely benign (1). 1 of the submissions does not count toward it. Last evaluated 2024-03-01.

Conditions:
AP1S3-related disorder. Also called: AP1S3-related condition.

Allele frequency attached by ClinVar (database versions not stated): gnomAD exomes 0.00026; ExAC 0.00094; gnomAD 0.00282; ESP Exome Variant Server 0.00288; TOPMed 0.00295; 1000 Genomes Project 30x 0.00406; 1000 Genomes Project 0.00439.
gnomAD v4.1: 811 of 1,614,210 alleles (0.05%); highest among the groups gnomAD compares: African/African-American, 0.98%; 2 homozygotes.

Submissions (2):

Blueprint Genetics
Classification: Likely benign. Last evaluated: 2024-03-01. Review status: criteria provided, single submitter. Criteria: ACMG Guidelines, 2015. Collection method: clinical testing. Allele origin: germline.

PreventionGenetics, part of Exact Sciences
Classification: Benign for AP1S3-related condition. Last evaluated: 2019-06-10. Review status: no assertion criteria provided. Collection method: clinical testing. Allele origin: germline. Not counted in ClinVar's aggregate classification.
Comment: This variant is classified as benign based on ACMG/AMP sequence variant interpretation guidelines (Richards et al. 2015 PMID: 25741868, with internal and published modifications).

NM_001039569.2(AP1S3):c.235T>G (p.Leu79Val)

Gene: AP1S3 (adaptor related protein complex 1 subunit sigma 3; minus strand). Cytogenetic location: 2q36.1.
Variant type: single nucleotide variant.
Coding change: c.235T>G on transcript NM_001039569.2 (MANE Select); coding-DNA position 235, T replaced by G.
Protein change: p.Leu79Val; replaces leucine 79 with valine.
Molecular consequence: missense variant. On other transcripts: non-coding transcript variant (1).
Genome position (GRCh38, 1-based): chr2:223,775,957, A>C on the plus strand (T>G on the coding strand, the complement: AP1S3 is on the minus strand). VCF-style: chr2-223775957-A-C. GRCh37 (hg19) VCF-style: chr2-224640674-A-C.
Other names: short protein forms L79V.
Identifiers: ClinVar variation 3043974 (VCV003043974.3), dbSNP rs34353588, ClinGen allele CA2138352.